The following is an entry in ClinVar:

ClinVar aggregate classification (germline): Likely benign. Review status: criteria provided, multiple submitters, no conflicts (2 of 4 stars). 3 submissions from 3 submitters: Likely benign (2). 1 of the submissions does not count toward it. Last evaluated 2022-05-09.

Conditions:
Hereditary cancer-predisposing syndrome. Also called: Hereditary Cancer Syndrome; Neoplastic Syndromes, Hereditary; Hereditary neoplastic syndrome; Tumor predisposition. Identifiers: Orphanet 140162, MedGen C0027672, MeSH D009386, MONDO:0015356.
EPCAM-related disorder. Also called: EPCAM-related condition.

gnomAD v4.1: 7 of 1,613,604 alleles (0.00043%); highest among the groups gnomAD compares: Non-Finnish European, 0.00059%; no homozygotes.

Submissions (3):

Ambry Genetics
Classification: Likely benign for Hereditary cancer-predisposing syndrome. Last evaluated: 2022-05-09. Review status: criteria provided, single submitter. Criteria: Ambry Variant Classification Scheme 2023. Collection method: clinical testing. Allele origin: germline.

Labcorp Genetics (formerly Invitae), Labcorp
Classification: Likely benign. Last evaluated: 2016-02-24. Review status: criteria provided, single submitter. Criteria: Invitae Variant Classification Sherloc (09022015). Collection method: clinical testing. Allele origin: germline.

PreventionGenetics, part of Exact Sciences
Classification: Likely benign for EPCAM-related condition. Last evaluated: 2023-10-25. Review status: no assertion criteria provided. Collection method: clinical testing. Allele origin: germline. Not counted in ClinVar's aggregate classification.
Comment: This variant is classified as likely benign based on ACMG/AMP sequence variant interpretation guidelines (Richards et al. 2015 PMID: 25741868, with internal and published modifications).

NM_002354.3(EPCAM):c.828G>A (p.Val276=)

Gene: EPCAM (epithelial cell adhesion molecule; plus strand). Cytogenetic location: 2p21.
Variant type: single nucleotide variant.
Coding change: c.828G>A on transcript NM_002354.3 (MANE Select); coding-DNA position 828, G replaced by A.
Protein change: p.Val276=; no amino-acid change (valine 276 retained).
Molecular consequence: synonymous variant.
Genome position (GRCh38, 1-based): chr2:47,379,939, G>A. VCF-style: chr2-47379939-G-A. GRCh37 (hg19) VCF-style: chr2-47607078-G-A.
Identifiers: ClinVar variation 699699 (VCV000699699.7), dbSNP rs1573400459, ClinGen allele CA425951218.